The following is an entry in ClinVar:

NM_021009.7(UBC):c.2022T>C (p.Thr674=)

Gene: UBC (ubiquitin C; minus strand). Cytogenetic location: 12q24.31.
Variant type: single nucleotide variant.
Coding change: c.2022T>C on transcript NM_021009.7 (MANE Select); coding-DNA position 2022, T replaced by C.
Protein change: p.Thr674=; no amino-acid change (threonine 674 retained).
Molecular consequence: synonymous variant.
Genome position (GRCh38, 1-based): chr12:124,911,750, A>G on the plus strand (T>C on the coding strand, the complement: UBC is on the minus strand). VCF-style: chr12-124911750-A-G. GRCh37 (hg19) VCF-style: chr12-125396296-A-G.
Identifiers: ClinVar variation 2672529 (VCV002672529.23), dbSNP rs14565, ClinGen allele CA6870779.

ClinVar aggregate classification (germline): Likely benign (1 of 4 stars; one submission).

Allele frequency attached by ClinVar (database versions not stated): ExAC 0.00006; gnomAD 0.00006; gnomAD exomes 0.00010.

Submission:

CeGaT Center for Human Genetics Tuebingen
Classification: Likely benign. Last evaluated: 2023-11-01. Review status: criteria provided, single submitter. Criteria: CeGaT Center For Human Genetics Tuebingen Variant Classification Criteria Version 2. Collection method: clinical testing. Allele origin: germline. Affected: yes. Observed: 1 variant allele.
Comment: UBC: BP4, BP7